The following is an entry in ClinVar:

Single allele

Genes: ABHD17B (abhydrolase domain containing 17B, depalmitoylase; minus strand), ACO1 (aconitase 1; plus strand), ALDH1A1 (aldehyde dehydrogenase 1 family member A1; minus strand), ALDH1B1 (aldehyde dehydrogenase 1 family member B1; plus strand), ANKRD18A (ankyrin repeat domain 18A; minus strand) and 182 more. Cytogenetic location: 9p21.3-q21.33.
Variant type: Complex.
Identifiers: ClinVar variation 617751 (VCV000617751.2).

ClinVar aggregate classification (germline): Likely pathogenic (0 of 4 stars; one submission).

Conditions:
Glioma. Also called: Neuroglial tumor. Identifiers: Orphanet 182067, MedGen C0017638, MeSH D005910, MONDO:0021042, HP:0009733.

Submission:

Molecular Pathology Diagnostics Labratory, University of Iowa Hospitals & Clinics
Classification: Likely pathogenic for Glioma. Last evaluated: 2017-06-05. Review status: no assertion criteria provided. Collection method: clinical testing. Allele origin: somatic. Inheritance: Somatic mutation. Affected: yes.
Comment: FDA indication for advanced solid tumors with NTRK2 fusions.